The following is an entry in ClinVar:

ClinVar aggregate classification (germline): Pathogenic/Likely pathogenic. Review status: criteria provided, multiple submitters, no conflicts (2 of 4 stars). 2 submissions from 2 submitters: Pathogenic (1); Likely pathogenic (1). Last evaluated 2026-03-12.

Conditions:
Focal segmental glomerulosclerosis (FSGS). Also called: Glomerulosclerosis, focal; Focal sclerosis with hyalinosis. Identifiers: MedGen C0017668, MONDO:0100313, HP:0000097. Disease mechanism: loss of function.
Bardet-Biedl syndrome 2 (BBS2). Identifiers: Orphanet 110, MedGen C2936863, MONDO:0014432, OMIM 615981.

Submissions (2):

Molecular Lab, University of Sulaimaniyah
Classification: Pathogenic for Focal segmental glomerulosclerosis. Last evaluated: 2026-03-12. Review status: criteria provided, single submitter. Criteria: ACMG Guidelines, 2015. Collection method: clinical testing. Allele origin: germline. Inheritance: Autosomal recessive inheritance. Affected: yes. Observed: 2 variant alleles, 2 homozygotes.
Comment: This variant was classified using the ACMG/AMP 2015 framework (PMID:25741868). PVS1 was applied because BBS2 c.1725delT is a predicted loss-of-function frameshift variant expected to create a premature termination codon in a recessive ciliopathy-associated gene for which loss of function is an established disease mechanism. As additional case-level support in our dataset, the variant was recurrently observed in 2 homozygous affected individuals from an adult biopsy-proven focal segmental glomerulosclerosis cohort (35 individuals tested), and the genotype pattern is consistent with a recessive disease mechanism. The submitted classification reflects this combination of variant type, gene-disease mechanism, and internal observation data. Overall, the weight of evidence supported a Pathogenic classification.

Genome-Nilou Lab
Classification: Likely pathogenic for Bardet-Biedl syndrome 2. Last evaluated: 2021-07-22. Review status: criteria provided, single submitter. Criteria: ACMG Guidelines, 2015. Collection method: clinical testing. Allele origin: germline. Affected: no.

NM_031885.5(BBS2):c.1725del (p.Phe575fs)

Gene: BBS2 (Bardet-Biedl syndrome 2; minus strand). Cytogenetic location: 16q13.
Variant type: Deletion.
Coding change: c.1725del on transcript NM_031885.5 (MANE Select); coding-DNA position 1725, one base deleted (T; older notation c.1725delT).
Protein change: p.Phe575fs; shifts the reading frame from phenylalanine 575.
Molecular consequence: frameshift variant. On other transcripts: non-coding transcript variant (5).
Genome position (GRCh38, 1-based): chr16:56,497,815, A deleted on the plus strand (T on the coding strand, the reverse complement: BBS2 is on the minus strand); the first of 6 consecutive A bases (chr16:56,497,815-56,497,820); deleting any one gives the same sequence. VCF-style (leftmost placement, unchanged base first): chr16-56497814-CA-C. GRCh37 (hg19) VCF-style: chr16-56531726-CA-C.
Other names: c.1725del, p.Phe575fs (NM_001377456.1); c.1725delT (NM_031885.5); short protein forms F575fs.
Identifiers: ClinVar variation 1210364 (VCV001210364.3), dbSNP rs2144132609, ClinGen allele CA495586127.
Genomic context (GRCh38, chr16:56,497,814, plus strand): 5'-CCTTTCGTAATTCCTCAAAATAGACAGGAAAATCCGCTTCTACTTGAAGGTCTTCAATAG[CA>C]AAAAATGATGCCATTGACTGGATGATATCACCAGCCAAATCAATATCATCAGTATTTATA-3'